The following is an entry in ClinVar:

NM_001194998.2(CEP152):c.-25C>A

Gene: CEP152 (centrosomal protein 152; minus strand). Cytogenetic location: 15q21.1.
Variant type: single nucleotide variant.
Coding change: c.-25C>A on transcript NM_001194998.2 (MANE Select); 25 bases upstream of the start codon, C replaced by A.
Molecular consequence: 5 prime UTR variant.
Genome position (GRCh38, 1-based): chr15:48,810,978, G>T on the plus strand (C>A on the coding strand, the complement: CEP152 is on the minus strand). VCF-style: chr15-48810978-G-T. GRCh37 (hg19) VCF-style: chr15-49103175-G-T.
Other names: c.-25C>A (NM_014985.4).
Identifiers: ClinVar variation 136725 (VCV000136725.6), dbSNP rs185424999, ClinGen allele CA290035.

ClinVar aggregate classification (germline): Benign. Review status: criteria provided, multiple submitters, no conflicts (2 of 4 stars). 4 submissions from 3 submitters: Benign (4). Last evaluated 2018-01-13.

Conditions:
Microcephaly 9, primary, autosomal recessive. Identifiers: Orphanet 2512, MedGen C3553886, MONDO:0013923, OMIM 614852.
Seckel syndrome 5 (SCKL5). Identifiers: Orphanet 808, MedGen C3151187, MONDO:0013443, OMIM 613823.

Allele frequency attached by ClinVar (database versions not stated): 1000 Genomes Project 0.06689; 1000 Genomes Project 30x 0.07136; TOPMed 0.11984; gnomAD 0.12188 and 0.12222; gnomAD exomes 0.16554.
gnomAD v4.1: 18,754 of 152,538 alleles (12%); highest among the groups gnomAD compares: Middle Eastern, 18%; 1,547 homozygotes.

Submissions (4):

Illumina Laboratory Services, Illumina
Classification: Benign for Microcephaly 9, primary, autosomal recessive. Last evaluated: 2018-01-13. Review status: criteria provided, single submitter. Criteria: ICSL Variant Classification Criteria 13 December 2019. Collection method: clinical testing. Allele origin: germline.
Comment: This variant was observed in the ICSL laboratory as part of a predisposition screen in an ostensibly healthy population. It had not been previously curated by ICSL or reported in the Human Gene Mutation Database (HGMD: prior to June 1st, 2018), and was therefore a candidate for classification through an automated scoring system. Utilizing variant allele frequency, disease prevalence and penetrance estimates, and inheritance mode, an automated score was calculated to assess if this variant is too frequent to cause the disease. Based on the score and internal cut-off values, a variant classified as benign is not then subjected to further curation. The score for this variant resulted in a classification of benign for this disease.

Illumina Laboratory Services, Illumina
Classification: Benign for Seckel syndrome 5. Last evaluated: 2018-01-13. Review status: criteria provided, single submitter. Criteria: ICSL Variant Classification Criteria 13 December 2019. Collection method: clinical testing. Allele origin: germline.
Comment: the same text as in the submission from Illumina Laboratory Services, Illumina above.

GeneDx
Classification: Benign. Last evaluated: 2014-03-07. Review status: criteria provided, single submitter. Criteria: GeneDx Variant Classification (06012015). Collection method: clinical testing. Allele origin: germline. Affected: yes.
Comment: This variant is considered likely benign or benign based on one or more of the following criteria: it is a conservative change, it occurs at a poorly conserved position in the protein, it is predicted to be benign by multiple in silico algorithms, and/or has population frequency not consistent with disease.

Breakthrough Genomics
Classification: Benign. Review status: criteria provided, single submitter. Criteria: ACMG Guidelines, 2015. Collection method: not provided. Allele origin: germline. Inheritance: Autosomal recessive inheritance. Affected: yes.